The following is an entry in ClinVar:

ClinVar aggregate classification (germline): Uncertain significance (1 of 4 stars; one submission).

Submission:

GeneDx
Classification: Uncertain significance. Last evaluated: 2023-02-09. Review status: criteria provided, single submitter. Criteria: GeneDx Variant Classification Process June 2021. Collection method: clinical testing. Allele origin: germline. Affected: yes.
Comment: Not observed at significant frequency in large population cohorts (gnomAD); In silico analysis supports that this missense variant has a deleterious effect on protein structure/function; Has not been previously published as pathogenic or benign to our knowledge

NM_001037333.3(CYFIP2):c.3116G>A (p.Gly1039Glu)

Genes: CYFIP2 (cytoplasmic FMR1 interacting protein 2; plus strand), NIPAL4-DT (NIPAL4 divergent transcript; minus strand). Cytogenetic location: 5q33.3.
Variant type: single nucleotide variant.
Coding change: c.3116G>A on transcript NM_001037333.3 (MANE Select); coding-DNA position 3116, G replaced by A.
Protein change: p.Gly1039Glu; replaces glycine 1039 with glutamic acid.
Molecular consequence: missense variant.
Genome position (GRCh38, 1-based): chr5:157,383,268, G>A. VCF-style: chr5-157383268-G-A. GRCh37 (hg19) VCF-style: chr5-156810276-G-A.
Other names: c.3038G>A, p.Gly1013Glu (NM_001291721.2); c.3191G>A, p.Gly1064Glu (NM_001291722.2); c.3116G>A, p.Gly1039Glu (NM_014376.4); short protein forms G1013E, G1039E, G1064E.
Identifiers: ClinVar variation 2575819 (VCV002575819.1), dbSNP rs2532696241, ClinGen allele CA361981083.
Genomic context (GRCh38, chr5:157,383,268, plus strand): 5'-CCCCAGTTGCCCTGTGTTCCCTGAGTCTCATTTTCTGCTCTGCGACTCCTTTTGCAGAGG[G>A]GGAGCGCCTGGAGGTCCGGATGAAACGTCTGGAAGCCAAGTATGCCCCGCTCCACCTGGT-3'
Protein context (NP_001032410.1, residues 1029-1049): NILPRVYIKE[Gly1039Glu]ERLEVRMKRL